The following is an entry in ClinVar:

ClinVar aggregate classification (germline): Uncertain significance (1 of 4 stars; one submission).

Conditions:
Malignant hyperthermia, susceptibility to, 5 (MHS5). Also called: CACNA1S-Related Malignant Hyperthermia Susceptibility. Identifiers: Orphanet 423, MedGen C1866077, MONDO:0011163, OMIM 601887.

gnomAD v4.1: 1 of 1,613,744 alleles (0.000062%); highest among the groups gnomAD compares: Non-Finnish European, 0.000085%; no homozygotes.

Submission:

All of Us Research Program, National Institutes of Health
Classification: Uncertain significance for Malignant hyperthermia, susceptibility to, 5. Last evaluated: 2023-08-23. Review status: criteria provided, single submitter. Criteria: ACMG Guidelines, 2015. Collection method: clinical testing. Allele origin: germline. Inheritance: Autosomal dominant inheritance. Observed: 1 variant allele, 1 heterozygote.
Comment: This missense variant replaces isoleucine with phenylalanine at codon 325 of the CACNA1S protein. Computational prediction is inconclusive regarding the impact of this variant on protein structure and function (internally defined REVEL score threshold 0.5 < inconclusive < 0.7, PMID: 27666373). To our knowledge, functional studies have not been reported for this variant. This variant has not been reported in individuals affected with CACNA1S-related disorders in the literature. This variant has not been identified in the general population by the Genome Aggregation Database (gnomAD). The available evidence is insufficient to determine the role of this variant in disease conclusively. Therefore, this variant is classified as a Variant of Uncertain Significance.

This study involves interpretation of variants in research participants for the purpose of population health screening. Participant phenotype was not available at the time of variant classification. Additional details can be found in publication PMID: 35346344, PMCID: PMC8962531

NM_000069.3(CACNA1S):c.973A>T (p.Ile325Phe)

Gene: CACNA1S (calcium voltage-gated channel subunit alpha1 S; minus strand). Cytogenetic location: 1q32.1.
Variant type: single nucleotide variant.
Coding change: c.973A>T on transcript NM_000069.3 (MANE Select); coding-DNA position 973, A replaced by T.
Protein change: p.Ile325Phe; replaces isoleucine 325 with phenylalanine.
Molecular consequence: missense variant.
Genome position (GRCh38, 1-based): chr1:201,087,857, T>A on the plus strand (A>T on the coding strand, the complement: CACNA1S is on the minus strand). VCF-style: chr1-201087857-T-A. GRCh37 (hg19) VCF-style: chr1-201056985-T-A.
Other names: short protein forms I325F.
Identifiers: ClinVar variation 3073152 (VCV003073152.1), dbSNP rs2464608184, ClinGen allele CA344132067.
Genomic context (GRCh38, chr1:201,087,857, plus strand): 5'-TCTCCCCTGGCTACCTTTGAATTTCTTACCCACTCAGGACACCCAGCACCAGGTTGAGGA[T>A]GAAGAAGGATCCCAGCAAAATGAGGGTGACAAAATAGATCCAGGGCCACTCATTCCCGAT-3'
Protein context (NP_000060.2, residues 315-335): VTLILLGSFF[Ile325Phe]LNLVLGVLSG